The following is an entry in ClinVar:

NM_022041.4(GAN):c.580T>G (p.Tyr194Asp)

Gene: GAN (gigaxonin; plus strand). Cytogenetic location: 16q23.2.
Variant type: single nucleotide variant.
Coding change: c.580T>G on transcript NM_022041.4 (MANE Select); coding-DNA position 580, T replaced by G.
Protein change: p.Tyr194Asp; replaces tyrosine 194 with aspartic acid.
Molecular consequence: missense variant. On other transcripts: 5 prime UTR variant (1).
Genome position (GRCh38, 1-based): chr16:81,354,702, T>G. VCF-style: chr16-81354702-T-G. GRCh37 (hg19) VCF-style: chr16-81388307-T-G.
Other names: c.-60T>G (NM_001377486.1); short protein forms Y194D.
Identifiers: ClinVar variation 1368880 (VCV001368880.6), dbSNP rs1910428014, ClinGen allele CA396869077.

ClinVar aggregate classification (germline): Uncertain significance (1 of 4 stars; one submission).

Conditions:
Giant axonal neuropathy 1 (GAN1). Also called: GIANT AXONAL NEUROPATHY 1, AUTOSOMAL RECESSIVE; GAN-Related Neurodegeneration. Identifiers: Orphanet 643, MedGen C1850386, MONDO:0009749, OMIM 256850.

Allele frequency attached by ClinVar (database versions not stated): gnomAD exomes below 0.00001; TOPMed below 0.00001; gnomAD 0.00001.
gnomAD v4.1: 6 of 1,612,990 alleles (0.00037%); highest among the groups gnomAD compares: Non-Finnish European, 0.00051%; no homozygotes.

Submission:

Labcorp Genetics (formerly Invitae), Labcorp
Classification: Uncertain significance for Giant axonal neuropathy 1. Last evaluated: 2021-10-24. Review status: criteria provided, single submitter. Criteria: Invitae Variant Classification Sherloc (09022015). Collection method: clinical testing. Allele origin: germline.
Comment: In summary, the available evidence is currently insufficient to determine the role of this variant in disease. Therefore, it has been classified as a Variant of Uncertain Significance. Algorithms developed to predict the effect of missense changes on protein structure and function (SIFT, PolyPhen-2, Align-GVGD) all suggest that this variant is likely to be tolerated. This variant has not been reported in the literature in individuals affected with GAN-related conditions. This variant is not present in population databases (ExAC no frequency). This sequence change replaces tyrosine with aspartic acid at codon 194 of the GAN protein (p.Tyr194Asp). The tyrosine residue is moderately conserved and there is a large physicochemical difference between tyrosine and aspartic acid.